The following is an entry in ClinVar:

NM_014159.7(SETD2):c.2866G>A (p.Gly956Arg)

Gene: SETD2 (SET domain containing 2, histone lysine methyltransferase; minus strand). Cytogenetic location: 3p21.31.
Variant type: single nucleotide variant.
Coding change: c.2866G>A on transcript NM_014159.7 (MANE Select); coding-DNA position 2866, G replaced by A.
Protein change: p.Gly956Arg; replaces glycine 956 with arginine.
Molecular consequence: missense variant. On other transcripts: non-coding transcript variant (1).
Genome position (GRCh38, 1-based): chr3:47,121,770, C>T on the plus strand (G>A on the coding strand, the complement: SETD2 is on the minus strand). VCF-style: chr3-47121770-C-T. GRCh37 (hg19) VCF-style: chr3-47163260-C-T.
Other names: c.2734G>A, p.Gly912Arg (NM_001349370.3); short protein forms G912R, G956R.
Identifiers: ClinVar variation 1313466 (VCV001313466.2), dbSNP rs1378974840, ClinGen allele CA352524811.

ClinVar aggregate classification (germline): Uncertain significance (1 of 4 stars; one submission).

Allele frequency attached by ClinVar (database versions not stated): gnomAD exomes below 0.00001; TOPMed 0.00001.
gnomAD v4.1: 1 of 1,614,142 alleles (0.000062%); highest among the groups gnomAD compares: Non-Finnish European, 0.000085%; no homozygotes.

Submission:

GeneDx
Classification: Uncertain significance. Last evaluated: 2020-11-10. Review status: criteria provided, single submitter. Criteria: GeneDx Variant Classification Process June 2021. Collection method: clinical testing. Allele origin: germline. Affected: yes.
Comment: Not observed in large population cohorts (Lek et al., 2016); In silico analysis supports that this missense variant has a deleterious effect on protein structure/function; Has not been previously published as pathogenic or benign to our knowledge